The following is an entry in ClinVar:

NM_001162501.2(TNRC6B):c.5426A>G (p.Glu1809Gly)

Gene: TNRC6B (trinucleotide repeat containing adaptor 6B; plus strand). Cytogenetic location: 22q13.1.
Variant type: single nucleotide variant.
Coding change: c.5426A>G on transcript NM_001162501.2 (MANE Select); coding-DNA position 5426, A replaced by G.
Protein change: p.Glu1809Gly; replaces glutamic acid 1809 with glycine.
Molecular consequence: missense variant.
Genome position (GRCh38, 1-based): chr22:40,323,165, A>G. VCF-style: chr22-40323165-A-G. GRCh37 (hg19) VCF-style: chr22-40719169-A-G.
Other names: c.3014A>G, p.Glu1005Gly (NM_001024843.2); c.5096A>G, p.Glu1699Gly (NM_015088.3); short protein forms E1005G, E1699G, E1809G.
Identifiers: ClinVar variation 3373391 (VCV003373391.2).

ClinVar aggregate classification (germline): Uncertain significance. Review status: criteria provided, multiple submitters, no conflicts (2 of 4 stars). 2 submissions from 2 submitters: Uncertain significance (2). Last evaluated 2024-12-25.

Conditions:
Inborn genetic diseases. Identifiers: MedGen C0950123, MeSH D030342.

Submissions (2):

Ambry Genetics
Classification: Uncertain significance for Inborn genetic diseases. Last evaluated: 2024-12-25. Review status: criteria provided, single submitter. Criteria: Ambry Variant Classification Scheme 2023. Collection method: clinical testing. Allele origin: germline.

GeneDx
Classification: Uncertain significance. Last evaluated: 2024-05-01. Review status: criteria provided, single submitter. Criteria: GeneDx Variant Classification Process June 2021. Collection method: clinical testing. Allele origin: germline. Affected: yes.
Comment: Not observed at significant frequency in large population cohorts (gnomAD); In silico analysis supports that this missense variant has a deleterious effect on protein structure/function; Has not been previously published as pathogenic or benign to our knowledge